The following is an entry in ClinVar:

ClinVar aggregate classification (germline): Uncertain significance (0 of 4 stars; one submission).

Conditions:
MAGT1-related disorder. Also called: MAGT1-related condition.

Submission:

PreventionGenetics, part of Exact Sciences
Classification: Uncertain significance for MAGT1-related condition. Last evaluated: 2024-07-01. Review status: no assertion criteria provided. Collection method: clinical testing. Allele origin: germline.
Comment: The MAGT1 c.626A>T variant is predicted to result in the amino acid substitution p.Asn209Ile. To our knowledge, this variant has not been reported in the literature or in a large population database, indicating this variant is rare. At this time, the clinical significance of this variant is uncertain due to the absence of conclusive functional and genetic evidence.

NM_001367916.1(MAGT1):c.530A>T (p.Asn177Ile)

Gene: MAGT1 (magnesium transporter 1; minus strand). Cytogenetic location: Xq21.1.
Variant type: single nucleotide variant.
Coding change: c.530A>T on transcript NM_001367916.1 (MANE Select); coding-DNA position 530, A replaced by T.
Protein change: p.Asn177Ile; replaces asparagine 177 with isoleucine.
Molecular consequence: missense variant.
Genome position (GRCh38, 1-based): chrX:77,857,358, T>A on the plus strand (A>T on the coding strand, the complement: MAGT1 is on the minus strand). VCF-style: chrX-77857358-T-A. GRCh37 (hg19) VCF-style: chrX-77112855-T-A.
Other names: c.626A>T, p.Asn209Ile (NM_032121.5); short protein forms N177I, N209I.
Identifiers: ClinVar variation 3344671 (VCV003344671.1).